The following is an entry in ClinVar:

ClinVar aggregate classification (germline): Uncertain significance. Review status: criteria provided, multiple submitters, no conflicts (2 of 4 stars). 3 submissions from 3 submitters: Uncertain significance (3). Last evaluated 2025-12-18.

Allele frequency attached by ClinVar (database versions not stated): TOPMed 0.00001.
gnomAD v4.1: 1 of 1,119,052 alleles (0.000089%); highest among the groups gnomAD compares: Non-Finnish European, 0.00011%; no homozygotes.

Submissions (3):

Ambry Genetics
Classification: Uncertain significance. Last evaluated: 2025-12-18. Review status: criteria provided, single submitter. Criteria: Ambry Variant Classification Scheme 2023. Collection method: clinical testing. Allele origin: germline.
Comment: The p.V64I variant (also known as c.190G>A), located in coding exon 1 of the GALNT12 gene, results from a G to A substitution at nucleotide position 190. The valine at codon 64 is replaced by isoleucine, an amino acid with highly similar properties. This amino acid position is conserved. In addition, this alteration is predicted to be tolerated by in silico analysis. Since supporting evidence is limited at this time, the clinical significance of this alteration remains unclear.

Labcorp Genetics (formerly Invitae), Labcorp
Classification: Uncertain significance. Last evaluated: 2025-10-16. Review status: criteria provided, single submitter. Criteria: Invitae Variant Classification Sherloc (09022015). Collection method: clinical testing. Allele origin: germline.
Comment: This sequence change replaces valine, which is neutral and non-polar, with isoleucine, which is neutral and non-polar, at codon 64 of the GALNT12 protein (p.Val64Ile). This variant is not present in population databases (gnomAD no frequency). This variant has not been reported in the literature in individuals affected with GALNT12-related conditions. ClinVar contains an entry for this variant (Variation ID: 1319623). Experimental studies and prediction algorithms are not available or were not evaluated, and the functional significance of this variant is currently unknown. In summary, the available evidence is currently insufficient to determine the role of this variant in disease. Therefore, it has been classified as a Variant of Uncertain Significance.

Institute for Clinical Genetics, University Hospital TU Dresden, University Hospital TU Dresden
Classification: Uncertain significance. Last evaluated: 2021-11-03. Review status: criteria provided, single submitter. Criteria: ACMG Guidelines, 2015. Collection method: clinical testing. Allele origin: germline.

NM_024642.5(GALNT12):c.190G>A (p.Val64Ile)

Gene: GALNT12 (polypeptide N-acetylgalactosaminyltransferase 12; plus strand). Cytogenetic location: 9q22.33.
Variant type: single nucleotide variant.
Coding change: c.190G>A on transcript NM_024642.5 (MANE Select); coding-DNA position 190, G replaced by A.
Protein change: p.Val64Ile; replaces valine 64 with isoleucine.
Molecular consequence: missense variant.
Genome position (GRCh38, 1-based): chr9:98,807,888, G>A. VCF-style: chr9-98807888-G-A. GRCh37 (hg19) VCF-style: chr9-101570170-G-A.
Other names: short protein forms V64I.
Identifiers: ClinVar variation 1319623 (VCV001319623.7), dbSNP rs917032910, ClinGen allele CA196833810.
Genomic context (GRCh38, chr9:98,807,888, plus strand): 5'-GGGGCCGGGGCTGCCGAGCCGGGACCCCCGCGCACCCCGCGCCCCGGGCGGCGCGAGCCG[G>A]TCATGCCGCGGCCGCCGGTGCCGGCGAACGCGCTGGGCGCGCGGGGCGAGGCGGTGCGGC-3'
Protein context (NP_078918.3, residues 54-74): RTPRPGRREP[Val64Ile]MPRPPVPANA